The following is an entry in ClinVar:

NM_018979.4(WNK1):c.504G>T (p.Gln168His)

Gene: WNK1 (WNK lysine deficient protein kinase 1; plus strand). Cytogenetic location: 12p13.33.
Variant type: single nucleotide variant.
Coding change: c.504G>T on transcript NM_018979.4 (MANE Select); coding-DNA position 504, G replaced by T.
Protein change: p.Gln168His; replaces glutamine 168 with histidine.
Molecular consequence: missense variant.
Genome position (GRCh38, 1-based): chr12:754,069, G>T. VCF-style: chr12-754069-G-T. GRCh37 (hg19) VCF-style: chr12-863235-G-T.
Other names: c.504G>T, p.Gln168His (NM_001184985.2, NM_014823.3, NM_213655.5); short protein forms Q168H.
Identifiers: ClinVar variation 1745027 (VCV001745027.2), dbSNP rs1332815711, ClinGen allele CA383306919.

ClinVar aggregate classification (germline): Uncertain significance (1 of 4 stars; one submission).

Conditions:
Inborn genetic diseases. Identifiers: MedGen C0950123, MeSH D030342.

Allele frequency attached by ClinVar (database versions not stated): gnomAD 0.00001; gnomAD exomes 0.00001; TOPMed 0.00001.
gnomAD v4.1: 10 of 1,605,918 alleles (0.00062%); highest among the groups gnomAD compares: Non-Finnish European, 0.00085%; no homozygotes.

Submission:

Ambry Genetics
Classification: Uncertain significance for Inborn genetic diseases. Last evaluated: 2019-12-12. Review status: criteria provided, single submitter. Criteria: Ambry Variant Classification Scheme 2023. Collection method: clinical testing. Allele origin: germline.
Comment: The p.Q168H variant (also known as c.504G>T), located in coding exon 1 of the WNK1 gene, results from a G to T substitution at nucleotide position 504. The glutamine at codon 168 is replaced by histidine, an amino acid with highly similar properties. This amino acid position is well conserved in available vertebrate species. In addition, this alteration is predicted to be tolerated by in silico analysis. Since supporting evidence is limited at this time, the clinical significance of this alteration remains unclear.